The following is an entry in ClinVar:

ClinVar aggregate classification (germline): Uncertain significance (1 of 4 stars; one submission).

Conditions:
Gastrointestinal stromal tumor. Also called: Gastrointestinal stromal tumor, somatic; Gastrointestinal stroma tumor. Identifiers: Orphanet 44890, MedGen C0238198, MeSH D046152, MONDO:0011719, OMIM 606764, HP:0100723.

Submission:

Labcorp Genetics (formerly Invitae), Labcorp
Classification: Uncertain significance for Gastrointestinal stromal tumor. Last evaluated: 2023-12-04. Review status: criteria provided, single submitter. Criteria: Invitae Variant Classification Sherloc (09022015). Collection method: clinical testing. Allele origin: germline.
Comment: This sequence change replaces lysine, which is basic and polar, with asparagine, which is neutral and polar, at codon 964 of the PDGFRA protein (p.Lys964Asn). This variant is not present in population databases (gnomAD no frequency). This variant has not been reported in the literature in individuals affected with PDGFRA-related conditions. Advanced modeling of protein sequence and biophysical properties (such as structural, functional, and spatial information, amino acid conservation, physicochemical variation, residue mobility, and thermodynamic stability) performed at Invitae indicates that this missense variant is not expected to disrupt PDGFRA protein function with a negative predictive value of 80%. In summary, the available evidence is currently insufficient to determine the role of this variant in disease. Therefore, it has been classified as a Variant of Uncertain Significance.

NM_006206.6(PDGFRA):c.2892A>C (p.Lys964Asn)

Gene: PDGFRA (platelet derived growth factor receptor alpha; plus strand). Cytogenetic location: 4q12.
Variant type: single nucleotide variant.
Coding change: c.2892A>C on transcript NM_006206.6 (MANE Select); coding-DNA position 2892, A replaced by C.
Protein change: p.Lys964Asn; replaces lysine 964 with asparagine.
Molecular consequence: missense variant.
Genome position (GRCh38, 1-based): chr4:54,290,324, A>C. VCF-style: chr4-54290324-A-C. GRCh37 (hg19) VCF-style: chr4-55156491-A-C.
Other names: c.2967A>C, p.Lys989Asn (NM_001347828.2); c.2892A>C, p.Lys964Asn (NM_001347829.2); c.2931A>C, p.Lys977Asn (NM_001347830.2); short protein forms K964N, K977N, K989N.
Identifiers: ClinVar variation 2785534 (VCV002785534.3), dbSNP rs2475564873, ClinGen allele CA356895931.
Genomic context (GRCh38, chr4:54,290,324, plus strand): 5'-AGGTTTGGTTGTTAACACTTGATTAAATATGTTCAATGAATGTTTATAGAGTTATGAAAA[A>C]ATTCACCTGGACTTCCTGAAGAGTGACCATCCTGCTGTGGCACGCATGCGTGTGGACTCA-3'
Protein context (NP_006197.1, residues 954-974): LPGQYKKSYE[Lys964Asn]IHLDFLKSDH